The following is an entry in ClinVar:

ClinVar aggregate classification (germline): Uncertain significance (1 of 4 stars; one submission).

Conditions:
Arrhythmogenic right ventricular dysplasia 5. Also called: ARRHYTHMOGENIC RIGHT VENTRICULAR DYSPLASIA, FAMILIAL, 5; Arrhythmogenic Right Ventricular Dysplasia/Cardiomyopathy 5. Identifiers: MedGen C1858379, MONDO:0011459, OMIM 604400.

gnomAD v4.1: 2 of 1,614,166 alleles (0.00012%); highest among the groups gnomAD compares: Non-Finnish European, 0.00017%; no homozygotes.

Submission:

Labcorp Genetics (formerly Invitae), Labcorp
Classification: Uncertain significance for Arrhythmogenic right ventricular dysplasia 5. Last evaluated: 2021-09-29. Review status: criteria provided, single submitter. Criteria: Invitae Variant Classification Sherloc (09022015). Collection method: clinical testing. Allele origin: germline.
Comment: In summary, the available evidence is currently insufficient to determine the role of this variant in disease. Therefore, it has been classified as a Variant of Uncertain Significance. Algorithms developed to predict the effect of missense changes on protein structure and function (SIFT, PolyPhen-2, Align-GVGD) all suggest that this variant is likely to be tolerated. This variant has not been reported in the literature in individuals affected with TMEM43-related conditions. This variant is not present in population databases (ExAC no frequency). This sequence change replaces valine with leucine at codon 364 of the TMEM43 protein (p.Val364Leu). The valine residue is weakly conserved and there is a small physicochemical difference between valine and leucine.

NM_024334.3(TMEM43):c.1090G>C (p.Val364Leu)

Gene: TMEM43 (transmembrane protein 43; plus strand). Cytogenetic location: 3p25.1.
Variant type: single nucleotide variant.
Coding change: c.1090G>C on transcript NM_024334.3 (MANE Select); coding-DNA position 1090, G replaced by C.
Protein change: p.Val364Leu; replaces valine 364 with leucine.
Molecular consequence: missense variant.
Genome position (GRCh38, 1-based): chr3:14,141,682, G>C. VCF-style: chr3-14141682-G-C. GRCh37 (hg19) VCF-style: chr3-14183182-G-C.
Other names: short protein forms V364L.
Identifiers: ClinVar variation 1435506 (VCV001435506.6), dbSNP rs754236206, ClinGen allele CA351536517.
Genomic context (GRCh38, chr3:14,141,682, plus strand): 5'-GTCAACATTGGCCTGAAAGCCTTTGCCTTCTGTGTGGCCACCTCGCTGACCCTGCTGACC[G>C]TGGCGGCTGGCTGGCTCTTCTACCGACCCCTGTGGGCCCTCCTCATTGCCGGCCTGGCCC-3'
Protein context (NP_077310.1, residues 354-374): CVATSLTLLT[Val364Leu]AAGWLFYRPL